The following is an entry in ClinVar:

NC_000022.10:g.(?_32193566)_(32200921_?)del

Gene: DEPDC5 (DEP domain containing 5, GATOR1 subcomplex subunit; plus strand). Cytogenetic location: 22q12.2-12.3.
Variant type: Deletion.
Identifiers: ClinVar variation 1467035 (VCV001467035.6).

ClinVar aggregate classification (germline): Uncertain significance (1 of 4 stars; one submission).

Conditions:
Familial focal epilepsy with variable foci (FPEVF). Identifiers: Orphanet 98820, MedGen C1858477, MONDO:0020310.

Submission:

Labcorp Genetics (formerly Invitae), Labcorp
Classification: Uncertain significance for Familial focal epilepsy with variable foci. Last evaluated: 2021-02-17. Review status: criteria provided, single submitter. Criteria: Invitae Variant Classification Sherloc (09022015). Collection method: clinical testing. Allele origin: germline.
Comment: In summary, the available evidence is currently insufficient to determine the role of this variant in disease. Therefore, it has been classified as a Variant of Uncertain Significance. This variant disrupts a region of the protein in which other variant(s) (p.Tyr281Phe) have been observed in individuals with DEPDC5-related conditions (PMID: 27066554). This suggests that this may be a clinically significant region of the DEPDC5 protein. This variant has not been reported in the literature in individuals with DEPDC5-related conditions. This variant is a gross deletion of the genomic region encompassing exon(s) 13-17 of the DEPDC5 gene. This variant would be expected to be in-frame, preserving the integrity of the reading frame.

Literature cited by the submitters: PubMed 27066554.